The following is an entry in ClinVar:

ClinVar aggregate classification (germline): Uncertain significance. Review status: criteria provided, multiple submitters, no conflicts (2 of 4 stars). 2 submissions from 2 submitters: Uncertain significance (2). Last evaluated 2026-08-28.

Conditions:
Neuroblastoma, susceptibility to, 3. Also called: ALK-Related Neuroblastic Tumor Susceptibility. Identifiers: Orphanet 635, MedGen C2751681, MONDO:0013083, OMIM 613014.
Hereditary cancer-predisposing syndrome. Also called: Hereditary neoplastic syndrome; Neoplastic Syndromes, Hereditary; Tumor predisposition; Hereditary Cancer Syndrome. Identifiers: Orphanet 140162, MedGen C0027672, MeSH D009386, MONDO:0015356.

gnomAD v4.1: 2 of 1,601,552 alleles (0.00012%); highest among the groups gnomAD compares: South Asian, 0.0022%; no homozygotes.

Submissions (2):

Ambry Genetics
Classification: Uncertain significance for Hereditary cancer-predisposing syndrome. Last evaluated: 2026-08-28. Review status: criteria provided, single submitter. Criteria: Ambry Variant Classification Scheme 2023. Collection method: clinical testing. Allele origin: germline.
Comment: The c.2676C>G variant (also known as p.A892A), located in coding exon 16 of the ALK gene, results from a C to G substitution at nucleotide position 2676. This nucleotide substitution does not change the amino acid at codon 892. This nucleotide position is not well conserved in available vertebrate species. In silico splice site analysis predicts that this alteration may weaken the native splice acceptor site. Based on the available evidence, the clinical significance of this variant remains unclear.

Labcorp Genetics (formerly Invitae), Labcorp
Classification: Uncertain significance for Neuroblastoma, susceptibility to, 3. Last evaluated: 2024-10-27. Review status: criteria provided, single submitter. Criteria: Invitae Variant Classification Sherloc (09022015). Collection method: clinical testing. Allele origin: germline.
Comment: This sequence change affects codon 892 of the ALK mRNA. It is a 'silent' change, meaning that it does not change the encoded amino acid sequence of the ALK protein. This variant is not present in population databases (gnomAD no frequency). This variant has not been reported in the literature in individuals affected with ALK-related conditions. Algorithms developed to predict the effect of sequence changes on RNA splicing suggest that this variant may disrupt the consensus splice site. In summary, the available evidence is currently insufficient to determine the role of this variant in disease. Therefore, it has been classified as a Variant of Uncertain Significance.

NM_004304.5(ALK):c.2676C>G (p.Ala892=)

Gene: ALK (ALK receptor tyrosine kinase; minus strand). Cytogenetic location: 2p23.2.
Variant type: single nucleotide variant.
Coding change: c.2676C>G on transcript NM_004304.5 (MANE Select); coding-DNA position 2676, C replaced by G.
Protein change: p.Ala892=; no amino-acid change (alanine 892 retained).
Molecular consequence: synonymous variant.
Genome position (GRCh38, 1-based): chr2:29,229,023, G>C on the plus strand (C>G on the coding strand, the complement: ALK is on the minus strand). VCF-style: chr2-29229023-G-C. GRCh37 (hg19) VCF-style: chr2-29451889-G-C.
Other names: c.2676C>G (NM_004304.4).
Identifiers: ClinVar variation 3635071 (VCV003635071.3).